The following is an entry in ClinVar:

NM_004304.5(ALK):c.1133T>G (p.Met378Arg)

Gene: ALK (ALK receptor tyrosine kinase; minus strand). Cytogenetic location: 2p23.2.
Variant type: single nucleotide variant.
Coding change: c.1133T>G on transcript NM_004304.5 (MANE Select); coding-DNA position 1133, T replaced by G.
Protein change: p.Met378Arg; replaces methionine 378 with arginine.
Molecular consequence: missense variant.
Genome position (GRCh38, 1-based): chr2:29,531,936, A>C on the plus strand (T>G on the coding strand, the complement: ALK is on the minus strand). VCF-style: chr2-29531936-A-C. GRCh37 (hg19) VCF-style: chr2-29754802-A-C.
Other names: short protein forms M378R.
Identifiers: ClinVar variation 2904726 (VCV002904726.3), dbSNP rs1178669386, ClinGen allele CA346587205.

ClinVar aggregate classification (germline): Uncertain significance (1 of 4 stars; one submission).

Conditions:
Neuroblastoma, susceptibility to, 3. Also called: ALK-Related Neuroblastic Tumor Susceptibility. Identifiers: Orphanet 635, MedGen C2751681, MONDO:0013083, OMIM 613014.

Submission:

Labcorp Genetics (formerly Invitae), Labcorp
Classification: Uncertain significance for Neuroblastoma, susceptibility to, 3. Last evaluated: 2022-10-27. Review status: criteria provided, single submitter. Criteria: Invitae Variant Classification Sherloc (09022015). Collection method: clinical testing. Allele origin: germline.
Comment: This sequence change replaces methionine, which is neutral and non-polar, with arginine, which is basic and polar, at codon 378 of the ALK protein (p.Met378Arg). In summary, the available evidence is currently insufficient to determine the role of this variant in disease. Therefore, it has been classified as a Variant of Uncertain Significance. Algorithms developed to predict the effect of missense changes on protein structure and function are either unavailable or do not agree on the potential impact of this missense change (SIFT: "Deleterious"; PolyPhen-2: "Benign"; Align-GVGD: "Class C0"). This variant has not been reported in the literature in individuals affected with ALK-related conditions. This variant is not present in population databases (gnomAD no frequency).